The following is an entry in ClinVar:

ClinVar aggregate classification (germline): Uncertain significance. Review status: criteria provided, multiple submitters, no conflicts (2 of 4 stars). 2 submissions from 2 submitters: Uncertain significance (2). Last evaluated 2022-05-27.

Conditions:
Combined immunodeficiency due to DOCK8 deficiency (HIES2). Also called: HIES autosomal recessive; DOCK8 Deficiency; HYPER-IgE SYNDROME 2, AUTOSOMAL RECESSIVE, WITH RECURRENT INFECTIONS; Hyper-IgE recurrent infection syndrome, autosomal recessive; HYPER-IgE RECURRENT INFECTION SYNDROME 2, AUTOSOMAL RECESSIVE. Identifiers: Orphanet 217390, MedGen C4722305, MONDO:0009478, OMIM 243700.
Inborn genetic diseases. Identifiers: MedGen C0950123, MeSH D030342.

Allele frequency attached by ClinVar (database versions not stated): ExAC 0.00002; ESP Exome Variant Server 0.00008; TOPMed 0.00017; gnomAD 0.00019.
gnomAD v4.1: 56 of 1,614,192 alleles (0.0035%); highest among the groups gnomAD compares: African/African-American, 0.073%; 1 homozygote.

Submissions (2):

Ambry Genetics
Classification: Uncertain significance for Inborn genetic diseases. Last evaluated: 2022-05-27. Review status: criteria provided, single submitter. Criteria: Ambry Variant Classification Scheme 2023. Collection method: clinical testing. Allele origin: germline.

Labcorp Genetics (formerly Invitae), Labcorp
Classification: Uncertain significance for Combined immunodeficiency due to DOCK8 deficiency. Last evaluated: 2022-02-18. Review status: criteria provided, single submitter. Criteria: Invitae Variant Classification Sherloc (09022015). Collection method: clinical testing. Allele origin: germline.
Comment: In summary, the available evidence is currently insufficient to determine the role of this variant in disease. Therefore, it has been classified as a Variant of Uncertain Significance. Algorithms developed to predict the effect of missense changes on protein structure and function are either unavailable or do not agree on the potential impact of this missense change (SIFT: "Deleterious"; PolyPhen-2: "Probably Damaging"; Align-GVGD: "Class C0"). This variant has not been reported in the literature in individuals affected with DOCK8-related conditions. This variant is present in population databases (rs375218876, gnomAD 0.05%). This sequence change replaces valine, which is neutral and non-polar, with leucine, which is neutral and non-polar, at codon 1868 of the DOCK8 protein (p.Val1868Leu).

NM_203447.4(DOCK8):c.5602G>C (p.Val1868Leu)

Gene: DOCK8 (dedicator of cytokinesis 8; plus strand). Cytogenetic location: 9p24.3.
Variant type: single nucleotide variant.
Coding change: c.5602G>C on transcript NM_203447.4 (MANE Select); coding-DNA position 5602, G replaced by C.
Protein change: p.Val1868Leu; replaces valine 1868 with leucine.
Molecular consequence: missense variant.
Genome position (GRCh38, 1-based): chr9:446,391, G>C. VCF-style: chr9-446391-G-C. GRCh37 (hg19) VCF-style: chr9-446391-G-C.
Other names: c.5302G>C, p.Val1768Leu (NM_001190458.2); c.5398G>C, p.Val1800Leu (NM_001193536.2); short protein forms V1768L, V1800L, V1868L.
Identifiers: ClinVar variation 2065318 (VCV002065318.5), dbSNP rs375218876, ClinGen allele CA4959494.